The following is an entry in ClinVar:

ClinVar aggregate classification (germline): Uncertain significance (1 of 4 stars; one submission).

Allele frequency attached by ClinVar (database versions not stated): gnomAD exomes below 0.00001; TOPMed 0.00001.

Submission:

Labcorp Genetics (formerly Invitae), Labcorp
Classification: Uncertain significance. Last evaluated: 2024-04-29. Review status: criteria provided, single submitter. Criteria: Invitae Variant Classification Sherloc (09022015). Collection method: clinical testing. Allele origin: germline.
Comment: This sequence change replaces threonine, which is neutral and polar, with asparagine, which is neutral and polar, at codon 747 of the ACAN protein (p.Thr747Asn). This variant is not present in population databases (gnomAD no frequency). This variant has not been reported in the literature in individuals affected with ACAN-related conditions. Advanced modeling of protein sequence and biophysical properties (such as structural, functional, and spatial information, amino acid conservation, physicochemical variation, residue mobility, and thermodynamic stability) performed at Invitae indicates that this missense variant is not expected to disrupt ACAN protein function with a negative predictive value of 80%. In summary, the available evidence is currently insufficient to determine the role of this variant in disease. Therefore, it has been classified as a Variant of Uncertain Significance.

NM_001369268.1(ACAN):c.2240C>A (p.Thr747Asn)

Gene: ACAN (aggrecan; plus strand). Cytogenetic location: 15q26.1.
Variant type: single nucleotide variant.
Coding change: c.2240C>A on transcript NM_001369268.1 (MANE Select); coding-DNA position 2240, C replaced by A.
Protein change: p.Thr747Asn; replaces threonine 747 with asparagine.
Molecular consequence: missense variant.
Genome position (GRCh38, 1-based): chr15:88,852,007, C>A. VCF-style: chr15-88852007-C-A. GRCh37 (hg19) VCF-style: chr15-89395238-C-A.
Other names: c.2240C>A, p.Thr747Asn (NM_001135.4, NM_001411096.1, NM_001411097.1 and 1 more transcripts); short protein forms T747N.
Identifiers: ClinVar variation 2734597 (VCV002734597.3), dbSNP rs1004956881, ClinGen allele CA274477637.
Genomic context (GRCh38, chr15:88,852,007, plus strand): 5'-CTGCCATCCTAGAGTTCACCACCGAGCCAGAAAACCAGACAGAATGGGAACCAGCCTATA[C>A]CCCAGTGGGCACATCCCCGCTGCCAGGTTGGTATGGCTTGGGTTCTGGGGCACACCCTGA-3'
Protein context (NP_001356197.1, residues 737-757): ENQTEWEPAY[Thr747Asn]PVGTSPLPGI